The following is an entry in ClinVar:

ClinVar aggregate classification (germline): Conflicting classifications of pathogenicity. Review status: criteria provided, conflicting classifications (1 of 4 stars). 8 submissions from 8 submitters: Uncertain significance (3); Likely benign (4). 1 of the submissions does not count toward it. Last evaluated 2026-01-21.

Conditions:
Bloom syndrome (BLM). Also called: Bloom-Torre-Machacek syndrome. Identifiers: Orphanet 125, MedGen C0005859, MONDO:0008876, OMIM 210900.
Hereditary cancer-predisposing syndrome. Also called: Hereditary neoplastic syndrome; Neoplastic Syndromes, Hereditary; Tumor predisposition; Hereditary Cancer Syndrome. Identifiers: Orphanet 140162, MedGen C0027672, MeSH D009386, MONDO:0015356.

Submissions (8):

Labcorp Genetics (formerly Invitae), Labcorp
Classification: Likely benign for Bloom syndrome. Last evaluated: 2026-01-21. Review status: criteria provided, single submitter. Criteria: Invitae Variant Classification Sherloc (09022015). Collection method: clinical testing. Allele origin: germline.

Fulgent Genetics
Classification: Likely benign for Bloom syndrome. Last evaluated: 2024-04-15. Review status: criteria provided, single submitter. Criteria: ACMG Guidelines, 2015. Collection method: clinical testing. Allele origin: germline.

Quest Diagnostics Nichols Institute San Juan Capistrano
Classification: Likely benign. Last evaluated: 2023-03-10. Review status: criteria provided, single submitter. Criteria: Quest Diagnostics criteria. Collection method: clinical testing. Allele origin: unknown.

Ambry Genetics
Classification: Likely benign for Hereditary cancer-predisposing syndrome. Last evaluated: 2021-10-08. Review status: criteria provided, single submitter. Criteria: Ambry Variant Classification Scheme 2023. Collection method: clinical testing. Allele origin: germline.

Genetic Services Laboratory, University of Chicago
Classification: Uncertain significance. Last evaluated: 2021-02-23. Review status: criteria provided, single submitter. Criteria: ACMG Guidelines, 2015. Collection method: clinical testing. Allele origin: germline. Affected: no.
Comment: DNA sequence analysis of the BLM gene demonstrated a 3 base pair deletion in exon 3, c.387_389del. This in-frame deletion is predicted to result in the deletion of a lysine amino acid residue, p.Lys130del. This in-frame sequence change has been described in gnomAD with a low population frequency of 0.028% (rs587778105). This sequence change does not appear to have been previously described in patients with BLM-related disorders and has also not been described as a known benign sequence change in the BLM gene. The functional significance of this sequence change is not known at present and its contribution to this patient's disease phenotype cannot definitively be determined.

Department of Pathology and Laboratory Medicine, Sinai Health System
Classification: Uncertain significance for Bloom syndrome. Last evaluated: 2020-09-01. Review status: criteria provided, single submitter. Criteria: ACMG Guidelines, 2015. Collection method: research. Allele origin: germline.

GeneDx
Classification: Uncertain significance. Last evaluated: 2016-07-29. Review status: criteria provided, single submitter. Criteria: GeneDx Variant Classification (06012015). Collection method: clinical testing. Allele origin: germline. Affected: yes.
Comment: The c.387_389delGAA variant in the BLM gene has not been reported previously as a pathogenic variant, nor as a benign variant, to our knowledge. The c.387_389delGAA variant results in an in-frame, 3 base pair deletion and results in the loss of the glutamic acid residue at position 130 in the protein, denoted as p.Lys130del. In-frame deletions frequently impact the resultant protein as missense changes do. The c.387_389delGAA variant was not observed in approximately 6500 individuals of European and African American ancestry in the NHLBI Exome Sequencing Project, indicating it is not a common benign variant in these populations. However, the Exome Aggregation Consortium reports c.387_389delGAA was observed in 36/16508 (0.2%) alleles from individuals of South Asian ancestry, but no homozygous individuals were reported in this cohort. Therefore, we interpret c.387_389delGAA as a variant of uncertain significance.

ITMI
No classification provided. Condition: AllHighlyPenetrant. Last evaluated: 2013-09-19. Review status: no classification provided. Collection method: reference population. Allele origin: germline. Not counted in ClinVar's aggregate classification.
Comment: Please see associated publication for description of ethnicities

Literature cited by the submitters: PubMed 24728327 (cited by Quest Diagnostics Nichols Institute San Juan Capistrano and ITMI).

NM_000057.4(BLM):c.387_389del (p.Lys130del)

Gene: BLM (BLM RecQ like helicase; plus strand). Cytogenetic location: 15q26.1.
Variant type: Deletion.
Coding change: c.387_389del on transcript NM_000057.4 (MANE Select); coding-DNA positions 387 to 389, 3 bases deleted (GAA; older notation c.387_389delGAA).
Protein change: p.Lys130del; deletes lysine 130.
Molecular consequence: inframe deletion. On other transcripts: 5 prime UTR variant (1).
Genome position (GRCh38, 1-based): chr15:90,749,655-90,749,657, GAA deleted; deleting any 3 consecutive bases within chr15:90,749,653-90,749,657 gives the same sequence; the c. name uses the placement nearest the transcript's 3' end. VCF-style (leftmost placement, unchanged base first): chr15-90749652-AAAG-A. GRCh37 (hg19) VCF-style: chr15-91292882-AAAG-A.
Other names: c.387_389del (LRG_20t1); c.387_389del, p.Lys130del (NM_001287246.2, NM_001287247.2); c.-905_-903del (NM_001287248.2); short protein forms K130del.
Identifiers: ClinVar variation 421741 (VCV000421741.23), dbSNP rs587778105, ClinGen allele CA157409.